The following is an entry in ClinVar:

ClinVar aggregate classification (germline): Uncertain significance (1 of 4 stars; one submission).

Conditions:
Acute myeloid leukemia (AML). Also called: Acute myeloid leukemia, adult; AML adult; Acute non-lymphocytic leukemia; Acute granulocytic leukemia; Leukemia, acute myeloid, somatic; Leukemia, acute myelogenous, somatic. Identifiers: Orphanet 519, MedGen C0023467, MeSH D015470, MONDO:0018874, OMIM 601626, HP:0004808. Disease mechanism: Constitutively activated FLT3.

Submission:

Labcorp Genetics (formerly Invitae), Labcorp
Classification: Uncertain significance for Acute myeloid leukemia. Last evaluated: 2022-09-07. Review status: criteria provided, single submitter. Criteria: Invitae Variant Classification Sherloc (09022015). Collection method: clinical testing. Allele origin: germline.
Comment: In summary, the available evidence is currently insufficient to determine the role of this variant in disease. Therefore, it has been classified as a Variant of Uncertain Significance. Algorithms developed to predict the effect of missense changes on protein structure and function are either unavailable or do not agree on the potential impact of this missense change (SIFT: "Tolerated"; PolyPhen-2: "Possibly Damaging"; Align-GVGD: "Class C0"). This variant has not been reported in the literature in individuals affected with CEBPA-related conditions. This variant is not present in population databases (gnomAD no frequency). This sequence change replaces leucine, which is neutral and non-polar, with methionine, which is neutral and non-polar, at codon 158 of the CEBPA protein (p.Leu158Met).

NM_004364.5(CEBPA):c.472C>A (p.Leu158Met)

Gene: CEBPA (CCAAT enhancer binding protein alpha; minus strand). Cytogenetic location: 19q13.11.
Variant type: single nucleotide variant.
Coding change: c.472C>A on transcript NM_004364.5 (MANE Select); coding-DNA position 472, C replaced by A.
Protein change: p.Leu158Met; replaces leucine 158 with methionine.
Molecular consequence: missense variant.
Genome position (GRCh38, 1-based): chr19:33,301,943, G>T on the plus strand (C>A on the coding strand, the complement: CEBPA is on the minus strand). VCF-style: chr19-33301943-G-T. GRCh37 (hg19) VCF-style: chr19-33792849-G-T.
Other names: c.115C>A, p.Leu39Met (NM_001285829.2); c.577C>A, p.Leu193Met (NM_001287424.2); c.430C>A, p.Leu144Met (NM_001287435.2); short protein forms L158M, L193M, L144M, L39M.
Identifiers: ClinVar variation 2150917 (VCV002150917.4), dbSNP rs2513331165, ClinGen allele CA405274886.